The following is an entry in ClinVar:

ClinVar aggregate classification (germline): Pathogenic. Review status: criteria provided, multiple submitters, no conflicts (2 of 4 stars). 4 submissions from 4 submitters: Pathogenic (4). Last evaluated 2026-01-09.

Conditions:
Multiple myeloma (MM). Also called: Multiple myeloma, somatic; Plasma cell myeloma. Identifiers: Orphanet 29073, Orphanet 85443, MedGen C0026764, MeSH D009101, MONDO:0009693, OMIM 254500, HP:0006775.
DNA ligase IV deficiency. Identifiers: Orphanet 99812, MedGen C1847827, MONDO:0011686, OMIM 606593.
Severe combined immunodeficiency disease. Also called: Severe combined immunodeficiency; Severe Combined Immune Deficiency. Identifiers: Orphanet 183660, MedGen C0085110, MeSH D016511, MONDO:0015974, HP:0004430. Inheritance: X-Linked or Autosomal recessive.

Submissions (4):

Labcorp Genetics (formerly Invitae), Labcorp
Classification: Pathogenic for DNA ligase IV deficiency. Last evaluated: 2026-01-09. Review status: criteria provided, single submitter. Criteria: Invitae Variant Classification Sherloc (09022015). Collection method: clinical testing. Allele origin: germline.
Comment: This sequence change replaces arginine, which is basic and polar, with leucine, which is neutral and non-polar, at codon 278 of the LIG4 protein (p.Arg278Leu). This variant is present in population databases (no rsID available, gnomAD 0.06%). This missense change has been observed in individual(s) with LIG4 syndrome (PMID: 26762768). In at least one individual the data is consistent with being in trans (on the opposite chromosome) from a pathogenic variant. ClinVar contains an entry for this variant (Variation ID: 2736056). Invitae Evidence Modeling of protein sequence and biophysical properties (such as structural, functional, and spatial information, amino acid conservation, physicochemical variation, residue mobility, and thermodynamic stability) indicates that this missense variant is expected to disrupt LIG4 protein function with a positive predictive value of 95%. For these reasons, this variant has been classified as Pathogenic.

Fulgent Genetics
Classification: Pathogenic for Multiple myeloma; DNA ligase IV deficiency. Last evaluated: 2024-05-07. Review status: criteria provided, single submitter. Criteria: ACMG Guidelines, 2015. Collection method: clinical testing. Allele origin: germline.

Women's Health and Genetics/Laboratory Corporation of America, LabCorp
Classification: Pathogenic for Severe combined immunodeficiency disease. Last evaluated: 2024-05-03. Review status: criteria provided, single submitter. Criteria: LabCorp Variant Classification Summary - May 2015. Collection method: clinical testing. Allele origin: germline.
Comment: Variant summary: LIG4 c.833G>T (p.Arg278Leu) results in a non-conservative amino acid change located in the DNA ligase, ATP-dependent, central domain (IPR012310) of the encoded protein sequence. Five of five in-silico tools predict a damaging effect of the variant on protein function. The variant was absent in 250408 control chromosomes. c.833G>T has been reported in the literature in multiple individuals affected with Severe Combined Immunodeficiency and has been suggested as a founder mutation in Chinese (example, Luo_2021). These data indicate that the variant is very likely to be associated with disease. To our knowledge, no experimental evidence demonstrating an impact on protein function has been reported. The following publication has been ascertained in the context of this evaluation (PMID: 34630384). No submitters have cited clinical-significance assessments for this variant to ClinVar. Based on the evidence outlined above, the variant was classified as pathogenic.

Juno Genomics, Hangzhou Juno Genomics, Inc
Classification: Pathogenic for Multiple myeloma; DNA ligase IV deficiency. Review status: criteria provided, single submitter. Criteria: ACMG Guidelines, 2015. Collection method: clinical testing. Allele origin: germline.
Comment: Absent from controls (or at extremely low frequency if recessive) in Genome Aggregation Database.;Well-established in vitro or in vivo functional studies supportive of a damaging effect on the gene or gene product.;For recessive disorders, detected in trans with a pathogenic variant.;Novel missense change at an amino acid residue where a different missense change determined to be pathogenic has been seen before.

Literature cited by the submitters: PubMed 26762768 (cited by Labcorp Genetics (formerly Invitae), Labcorp); PubMed 34630384 (cited by Women's Health and Genetics/Laboratory Corporation of America, LabCorp).

NM_206937.2(LIG4):c.833G>T (p.Arg278Leu)

Gene: LIG4 (DNA ligase 4; minus strand). Cytogenetic location: 13q33.3.
Variant type: single nucleotide variant.
Coding change: c.833G>T on transcript NM_206937.2 (MANE Select); coding-DNA position 833, G replaced by T.
Protein change: p.Arg278Leu; replaces arginine 278 with leucine.
Molecular consequence: missense variant.
Genome position (GRCh38, 1-based): chr13:108,210,436, C>A on the plus strand (G>T on the coding strand, the complement: LIG4 is on the minus strand). VCF-style: chr13-108210436-C-A. GRCh37 (hg19) VCF-style: chr13-108862784-C-A.
Other names: c.833G>T, p.Arg278Leu (NM_001098268.2, NM_001352598.2, NM_001352599.2 and 6 more transcripts); c.632G>T, p.Arg211Leu (NM_001330595.2); c.869G>T, p.Arg290Leu (NM_001352604.2); short protein forms R211L, R290L, R278L.
Identifiers: ClinVar variation 2736056 (VCV002736056.7), dbSNP rs104894421, ClinGen allele CA388619863.